The following is an entry in ClinVar:

NM_001130021.3(ATP6V0A1):c.1421T>C (p.Ile474Thr)

Gene: ATP6V0A1 (ATPase H+ transporting V0 subunit a1; plus strand). Cytogenetic location: 17q21.2.
Variant type: single nucleotide variant.
Coding change: c.1421T>C on transcript NM_001130021.3 (MANE Select); coding-DNA position 1421, T replaced by C.
Protein change: p.Ile474Thr; replaces isoleucine 474 with threonine.
Molecular consequence: missense variant. On other transcripts: intron variant (1).
Genome position (GRCh38, 1-based): chr17:42,495,140, T>C. VCF-style: chr17-42495140-T-C. GRCh37 (hg19) VCF-style: chr17-40647158-T-C.
Other names: c.1442T>C, p.Ile481Thr (NM_001378539.1, NM_001378541.1, NM_001130020.3 and 3 more transcripts); c.1292T>C, p.Ile431Thr (NM_001378540.1, NM_001378538.1); c.1421T>C, p.Ile474Thr (NM_001378542.1, NM_001378544.1, NM_001378535.1 and 3 more transcripts); c.1262T>C, p.Ile421Thr (NM_001378543.1); c.1211T>C, p.Ile404Thr (NM_001378545.1, NM_001378554.1); c.1208T>C, p.Ile403Thr (NM_001378546.1, NM_001378547.1); c.1241T>C, p.Ile414Thr (NM_001378549.1); c.1544T>C, p.Ile515Thr (NM_001378530.1, NM_001378533.1, NM_001378551.1 and 1 more transcripts); and 3 more; short protein forms I403T, I414T, I431T, I438T, I515T, I481T, I404T, I421T.
Identifiers: ClinVar variation 5005754 (VCV005005754.2).

ClinVar aggregate classification (germline): Uncertain significance (1 of 4 stars; one submission).

Conditions:
Developmental and epileptic encephalopathy 104 (DEE104). Identifiers: MedGen C5774183, MONDO:0031021, OMIM 619970.
Neurodevelopmental disorder with epilepsy and brain atrophy (NEDEBA). Identifiers: MedGen C5774184, MONDO:0859265, OMIM 619971.

gnomAD v4.1: 10 of 1,614,166 alleles (0.00062%); highest among the groups gnomAD compares: East Asian, 0.02%; no homozygotes.

Submission:

Juno Genomics, Hangzhou Juno Genomics, Inc
Classification: Uncertain significance for Developmental and epileptic encephalopathy 104; Neurodevelopmental disorder with epilepsy and brain atrophy. Review status: criteria provided, single submitter. Criteria: ACMG Guidelines, 2015. Collection method: clinical testing. Allele origin: germline.
Comment: Missense variant in a gene that has a low rate of benign missense variation.;Multiple lines of computational evidence support a deleterious effect on the gene or gene product.;Absent from controls (or at extremely low frequency if recessive) in Genome Aggregation Database.